The following is an entry in ClinVar:

NM_000179.3(MSH6):c.927T>C (p.Ser309=)

Gene: MSH6 (mutS homolog 6; plus strand). Cytogenetic location: 2p16.3.
Variant type: single nucleotide variant.
Coding change: c.927T>C on transcript NM_000179.3 (MANE Select); coding-DNA position 927, T replaced by C.
Protein change: p.Ser309=; no amino-acid change (serine 309 retained).
Molecular consequence: synonymous variant.
Genome position (GRCh38, 1-based): chr2:47,798,910, T>C. VCF-style: chr2-47798910-T-C. GRCh37 (hg19) VCF-style: chr2-48026049-T-C.
Other names: c.537T>C, p.Ser179= (NM_001281492.2); c.21T>C, p.Ser7= (NM_001281493.2, NM_001281494.2).
Identifiers: ClinVar variation 237214 (VCV000237214.25), dbSNP rs771288794, ClinGen allele CA073589.

ClinVar aggregate classification (germline): Benign/Likely benign. Review status: criteria provided, multiple submitters, no conflicts (2 of 4 stars). 8 submissions from 8 submitters: Benign (1); Likely benign (7). Last evaluated 2025-08-03.

Conditions:
Hereditary cancer-predisposing syndrome. Also called: Hereditary neoplastic syndrome; Hereditary Cancer Syndrome; Neoplastic Syndromes, Hereditary; Tumor predisposition. Identifiers: Orphanet 140162, MedGen C0027672, MeSH D009386, MONDO:0015356.
Hereditary nonpolyposis colorectal neoplasms. Identifiers: MedGen C0009405, MeSH D003123.
Lynch syndrome. Identifiers: Orphanet 144, MedGen C4552100, MONDO:0005835. Disease mechanism: loss of function.
Lynch syndrome 5 (LYNCH5). Also called: Hereditary non-polyposis colorectal cancer, type 5; Colorectal cancer, hereditary nonpolyposis, type 5. Identifiers: Orphanet 144, MedGen C1833477, MONDO:0013710, OMIM 614350. Disease mechanism: loss of function.

Allele frequency attached by ClinVar (database versions not stated): gnomAD exomes below 0.00001 and 0.00001; ExAC 0.00002; TOPMed 0.00002.
gnomAD v4.1: 6 of 1,614,160 alleles (0.00037%); highest among the groups gnomAD compares: East Asian, 0.0089%; no homozygotes.

Submissions (8):

Labcorp Genetics (formerly Invitae), Labcorp
Classification: Likely benign for Hereditary nonpolyposis colorectal neoplasms. Last evaluated: 2025-08-03. Review status: criteria provided, single submitter. Criteria: Invitae Variant Classification Sherloc (09022015). Collection method: clinical testing. Allele origin: germline.

Center for Genomic Medicine, Rigshospitalet, Copenhagen University Hospital
Classification: Likely benign. Last evaluated: 2025-03-04. Review status: criteria provided, single submitter. Criteria: ACMG Guidelines, 2015. Collection method: clinical testing. Allele origin: germline.

Myriad Genetics, Inc.
Classification: Benign for Lynch syndrome 5. Last evaluated: 2024-12-20. Review status: criteria provided, single submitter. Criteria: Myriad Autosomal Dominant, Autosomal Recessive and X-Linked Classification Criteria (2023). Collection method: clinical testing. Allele origin: unknown.
Comment: This variant is considered benign. This variant is a silent/synonymous amino acid change and it is not expected to impact splicing.

Department of Pathology and Laboratory Medicine, Sinai Health System
Classification: Likely benign for Lynch syndrome. Last evaluated: 2023-04-26. Review status: criteria provided, single submitter. Criteria: ACMG Guidelines, 2015. Collection method: clinical testing. Allele origin: germline. Affected: yes.

Women's Health and Genetics/Laboratory Corporation of America, LabCorp
Classification: Likely benign. Last evaluated: 2020-01-31. Review status: criteria provided, single submitter. Criteria: LabCorp Variant Classification Summary - May 2015. Collection method: clinical testing. Allele origin: germline.

Ambry Genetics
Classification: Likely benign for Hereditary cancer-predisposing syndrome. Last evaluated: 2019-02-21. Review status: criteria provided, single submitter. Criteria: Ambry Variant Classification Scheme 2023. Collection method: clinical testing. Allele origin: germline.

Quest Diagnostics Nichols Institute San Juan Capistrano
Classification: Likely benign. Last evaluated: 2018-06-06. Review status: criteria provided, single submitter. Criteria: Quest Diagnostics criteria. Collection method: clinical testing. Allele origin: germline.

Color Diagnostics, LLC DBA Color Health
Classification: Likely benign for Hereditary cancer-predisposing syndrome. Last evaluated: 2017-11-06. Review status: criteria provided, single submitter. Criteria: ACMG Guidelines, 2015. Collection method: clinical testing. Allele origin: germline.